The following is an entry in ClinVar:

NM_006005.3(WFS1):c.2296C>T (p.His766Tyr)

Gene: WFS1 (wolframin ER transmembrane glycoprotein; plus strand). Cytogenetic location: 4p16.1.
Variant type: single nucleotide variant.
Coding change: c.2296C>T on transcript NM_006005.3 (MANE Select); coding-DNA position 2296, C replaced by T.
Protein change: p.His766Tyr; replaces histidine 766 with tyrosine.
Molecular consequence: missense variant.
Genome position (GRCh38, 1-based): chr4:6,302,091, C>T. VCF-style: chr4-6302091-C-T. GRCh37 (hg19) VCF-style: chr4-6303818-C-T.
Other names: c.2296C>T, p.His766Tyr (NM_001145853.1); short protein forms H766Y.
Identifiers: ClinVar variation 1328885 (VCV001328885.6), dbSNP rs1553878946, ClinGen allele CA356178305.

ClinVar aggregate classification (germline): Uncertain significance/Uncertain risk allele. Review status: criteria provided, multiple submitters, no conflicts (2 of 4 stars). 2 submissions from 2 submitters: Uncertain significance (1); Uncertain risk allele (1). Last evaluated 2023-03-01.

Conditions:
Wolfram-like syndrome. Also called: HEARING LOSS, PROGRESSIVE, WITH OPTIC ATROPHY AND/OR IMPAIRED GLUCOSE REGULATION. Identifiers: Orphanet 411590, MedGen C3280358, MONDO:0013673, OMIM 614296.
Autosomal dominant nonsyndromic hearing loss 6 (LFSNHL). Also called: DEAFNESS, AUTOSOMAL DOMINANT 6; Autosomal dominant nonsyndromic deafness 6; DEAFNESS, AUTOSOMAL DOMINANT 14; DEAFNESS, AUTOSOMAL DOMINANT 38. Identifiers: Orphanet 90635, MedGen C1833021, MONDO:0010963, OMIM 600965.
WFS1-Related Spectrum Disorders.
Wolfram syndrome. Also called: DIDMOAD (Diabetes Insipidus, Diabetes Mellitus, Optic Atrophy, and Deafness); Diabetes mellitus AND insipidus with optic atrophy AND deafness. Identifiers: Orphanet 3463, MedGen C0043207, MONDO:0018105.
Wolfram syndrome 1 (WFS1). Identifiers: Orphanet 3463, MedGen C4551693, MONDO:0009101, OMIM 222300.

Allele frequency attached by ClinVar (database versions not stated): TOPMed 0.00001; gnomAD exomes below 0.00001.
gnomAD v4.1: 3 of 1,612,916 alleles (0.00019%); highest among the groups gnomAD compares: Non-Finnish European, 0.00025%; no homozygotes.

Submissions (2):

GeneDx
Classification: Uncertain significance. Last evaluated: 2023-03-01. Review status: criteria provided, single submitter. Criteria: GeneDx Variant Classification Process June 2021. Collection method: clinical testing. Allele origin: germline. Affected: yes.
Comment: Observed with a second variant in a patient with diabetes in published literature (Yu MG et al., 2019); Not observed at significant frequency in large population cohorts (gnomAD); In silico analysis supports that this missense variant has a deleterious effect on protein structure/function; This variant is associated with the following publications: (PMID: 31264968, 27535533)

Clinical Genomics, Uppaluri K&H Personalized Medicine Clinic
Classification: Uncertain risk allele for Wolfram syndrome 1. Review status: criteria provided, single submitter. Criteria: K & H Uppaluri Personalized Medicine Clinic Variant Classification & Assertion Criteria_Updated V.1. Collection method: research. Allele origin: unknown. Inheritance: Autosomal recessive inheritance.
Comment: Potent mutations in WFS1 gene are associated with Wolfram's syndrome, an autosomal recessive condition, which cause diabetes mellitus, diabetes insipidus, deafness and optic atrophy.However no sufficient evidence is found to ascertain the role of this particular variant rs1553878946 in Wolfram's syndrome yet.

Literature cited by the submitters: PubMed 20738327 (cited by Clinical Genomics, Uppaluri K&H Personalized Medicine Clinic); PubMed 33879153 (cited by Clinical Genomics, Uppaluri K&H Personalized Medicine Clinic); PubMed 12955714 (cited by Clinical Genomics, Uppaluri K&H Personalized Medicine Clinic); PubMed 18060660 (cited by Clinical Genomics, Uppaluri K&H Personalized Medicine Clinic); PubMed 20301750 (cited by Clinical Genomics, Uppaluri K&H Personalized Medicine Clinic); PubMed 17603484 (cited by Clinical Genomics, Uppaluri K&H Personalized Medicine Clinic).